The following is an entry in ClinVar:

ClinVar aggregate classification (germline): Benign (1 of 4 stars; one submission).

gnomAD v4.1: 17,644 of 1,613,824 alleles (1.1%); highest among the groups gnomAD compares: Non-Finnish European, 1.4%; 128 homozygotes.

Submission:

CeGaT Center for Human Genetics Tuebingen
Classification: Benign. Last evaluated: 2026-08-01. Review status: criteria provided, single submitter. Criteria: CeGaT Center For Human Genetics Tuebingen Variant Classification Criteria Version 2. Collection method: clinical testing. Allele origin: germline. Affected: yes. Observed: 4 variant alleles.
Comment: MAST4: BP4, BS1, BS2

NM_001164664.2(MAST4):c.2956G>A (p.Glu986Lys)

Gene: MAST4 (microtubule associated serine/threonine kinase family member 4; plus strand). Cytogenetic location: 5q12.3.
Variant type: single nucleotide variant.
Coding change: c.2956G>A on transcript NM_001164664.2 (MANE Select); coding-DNA position 2956, G replaced by A.
Protein change: p.Glu986Lys; replaces glutamic acid 986 with lysine.
Molecular consequence: missense variant.
Genome position (GRCh38, 1-based): chr5:67,145,241, G>A. VCF-style: chr5-67145241-G-A. GRCh37 (hg19) VCF-style: chr5-66441069-G-A.
Other names: c.2338G>A, p.Glu780Lys (NM_001290226.2); c.2374G>A, p.Glu792Lys (NM_001290227.2, NM_001297651.2, NM_001393527.1); c.2965G>A, p.Glu989Lys (NM_001393524.1); c.2956G>A, p.Glu986Lys (NM_001393525.1); c.2389G>A, p.Glu797Lys (NM_001393526.1, NM_015183.3); c.2353G>A, p.Glu785Lys (NM_001393528.1); short protein forms E780K, E785K, E792K, E797K, E986K, E989K.
Identifiers: ClinVar variation 4083673 (VCV004083673.8).
Genomic context (GRCh38, chr5:67,145,241, plus strand): 5'-AGCAACAGACATAAACTCAGTTCTGGCCTACTTCCCAAACTGGCTATTTCAACAGAGGGA[G>A]AGCAAGATGAAGCTGCCTCCTGCCCTGGAGACCCCCATGAGGAGCCAGGAAAGCCAGCCC-3'
Protein context (NP_001158136.1, residues 976-996): LPKLAISTEG[Glu986Lys]QDEAASCPGD